The following is an entry in ClinVar:

ClinVar aggregate classification (germline): Benign/Likely benign. Review status: criteria provided, multiple submitters, no conflicts (2 of 4 stars). 5 submissions from 5 submitters: Benign (1); Likely benign (3). 1 of the submissions does not count toward it. Last evaluated 2026-03-27.

Conditions:
CACNA1C-related disorder. Also called: CACNA1C-related disorders; CACNA1C-related condition. Identifiers: MedGen CN381092, MONDO:0700321.
Cardiovascular phenotype. Identifiers: MedGen CN230736.
Long QT syndrome (LQTS). Identifiers: MedGen C0023976, MeSH D008133, MONDO:0002442. Disease mechanism: loss of function. Inheritance: Various modes of inheritance.

Allele frequency attached by ClinVar (database versions not stated): gnomAD exomes 0.00006; TOPMed 0.00002; ExAC 0.00017; gnomAD 0.00001 and 0.00002.
gnomAD v4.1: 82 of 1,583,644 alleles (0.0052%); highest among the groups gnomAD compares: South Asian, 0.05%; 1 homozygote.

Submissions (5):

Women's Health and Genetics/Laboratory Corporation of America, LabCorp
Classification: Benign. Last evaluated: 2026-03-27. Review status: criteria provided, single submitter. Criteria: LabCorp Variant Classification Summary - May 2015. Collection method: clinical testing. Allele origin: germline.

Labcorp Genetics (formerly Invitae), Labcorp
Classification: Likely benign for Long QT syndrome. Last evaluated: 2025-09-23. Review status: criteria provided, single submitter. Criteria: Invitae Variant Classification Sherloc (09022015). Collection method: clinical testing. Allele origin: germline.

Ambry Genetics
Classification: Likely benign for Cardiovascular phenotype. Last evaluated: 2022-11-26. Review status: criteria provided, single submitter. Criteria: Ambry Variant Classification Scheme 2023. Collection method: clinical testing. Allele origin: germline.

GeneDx
Classification: Likely benign. Last evaluated: 2015-11-11. Review status: criteria provided, single submitter. Criteria: GeneDx Variant Classification (06012015). Collection method: clinical testing. Allele origin: germline. Affected: yes.
Comment: This variant is considered likely benign or benign based on one or more of the following criteria: it is a conservative change, it occurs at a poorly conserved position in the protein, it is predicted to be benign by multiple in silico algorithms, and/or has population frequency not consistent with disease.

PreventionGenetics, part of Exact Sciences
Classification: Likely benign for CACNA1C-related condition. Last evaluated: 2022-08-26. Review status: no assertion criteria provided. Collection method: clinical testing. Allele origin: germline. Not counted in ClinVar's aggregate classification.
Comment: This variant is classified as likely benign based on ACMG/AMP sequence variant interpretation guidelines (Richards et al. 2015 PMID: 25741868, with internal and published modifications).

NM_000719.7(CACNA1C):c.75C>T (p.Pro25=)

Gene: CACNA1C (calcium voltage-gated channel subunit alpha1 C; plus strand). Cytogenetic location: 12p13.33.
Variant type: single nucleotide variant.
Coding change: c.75C>T on transcript NM_000719.7 (MANE Select); coding-DNA position 75, C replaced by T.
Protein change: p.Pro25=; no amino-acid change (proline 25 retained).
Molecular consequence: synonymous variant.
Genome position (GRCh38, 1-based): chr12:2,115,249, C>T. VCF-style: chr12-2115249-C-T. GRCh37 (hg19) VCF-style: chr12-2224415-C-T.
Other names: c.75C>T, p.Pro25= (NM_001129827.2, NM_001129829.2, NM_001129830.3 and 19 more transcripts).
Identifiers: ClinVar variation 381480 (VCV000381480.17), dbSNP rs773869181, ClinGen allele CA6388383.
Genomic context (GRCh38, chr12:2,115,249, plus strand): 5'-TAGTAACTGTTGTGTTCTTTTCTCTTTTGCCACAGGTTCCAACTATGGGAGCCCACGCCC[C>T]GCCCATGCCAACATGAATGCCAATGCGGCAGCGGGGCTGGCCCCTGAGCACATCCCCACC-3'
Protein context (NP_000710.5, residues 15-35): HQGSNYGSPR[Pro25=]AHANMNANAA